The following is an entry in ClinVar:

ClinVar aggregate classification (germline): Uncertain significance. Review status: criteria provided, multiple submitters, no conflicts (2 of 4 stars). 2 submissions from 2 submitters: Uncertain significance (2). Last evaluated 2025-10-18.

Conditions:
Pierson syndrome. Also called: MICROCORIA-CONGENITAL NEPHROTIC SYNDROME. Identifiers: Orphanet 2670, MedGen C1836876, MONDO:0012184, OMIM 609049.
LAMB2-related infantile-onset nephrotic syndrome. Also called: NEPHROTIC SYNDROME, TYPE 5, WITHOUT OCULAR ABNORMALITIES; NEPHROTIC SYNDROME, TYPE 5, WITH OCULAR ABNORMALITIES; Nephrotic Syndrome, type 5. Identifiers: Orphanet 306507, MedGen C3280113, MONDO:0013621, OMIM 614199.

Allele frequency attached by ClinVar (database versions not stated): TOPMed below 0.00001.
gnomAD v4.1: 13 of 1,614,140 alleles (0.00081%); highest among the groups gnomAD compares: Non-Finnish European, 0.0011%; no homozygotes.

Submissions (2):

Mayo Clinic Laboratories, Mayo Clinic
Classification: Uncertain significance. Last evaluated: 2025-10-18. Review status: criteria provided, single submitter. Criteria: ACMG Guidelines, 2015. Collection method: clinical testing. Allele origin: germline. Observed: 1 variant allele.
Comment: PM2_supporting

Labcorp Genetics (formerly Invitae), Labcorp
Classification: Uncertain significance for LAMB2-related infantile-onset nephrotic syndrome; Pierson syndrome. Last evaluated: 2022-03-18. Review status: criteria provided, single submitter. Criteria: Invitae Variant Classification Sherloc (09022015). Collection method: clinical testing. Allele origin: germline.
Comment: This sequence change replaces glycine, which is neutral and non-polar, with valine, which is neutral and non-polar, at codon 807 of the LAMB2 protein (p.Gly807Val). This variant is present in population databases (rs200740666, gnomAD 0.0009%). This variant has not been reported in the literature in individuals affected with LAMB2-related conditions. ClinVar contains an entry for this variant (Variation ID: 654782). Algorithms developed to predict the effect of missense changes on protein structure and function (SIFT, PolyPhen-2, Align-GVGD) all suggest that this variant is likely to be tolerated. Algorithms developed to predict the effect of sequence changes on RNA splicing suggest that this variant may disrupt the consensus splice site. In summary, the available evidence is currently insufficient to determine the role of this variant in disease. Therefore, it has been classified as a Variant of Uncertain Significance.

NM_002292.4(LAMB2):c.2420G>T (p.Gly807Val)

Gene: LAMB2 (laminin subunit beta 2; minus strand). Cytogenetic location: 3p21.31.
Variant type: single nucleotide variant.
Coding change: c.2420G>T on transcript NM_002292.4 (MANE Select); coding-DNA position 2420, G replaced by T.
Protein change: p.Gly807Val; replaces glycine 807 with valine.
Molecular consequence: missense variant.
Genome position (GRCh38, 1-based): chr3:49,125,815, C>A on the plus strand (G>T on the coding strand, the complement: LAMB2 is on the minus strand). VCF-style: chr3-49125815-C-A. GRCh37 (hg19) VCF-style: chr3-49163248-C-A.
Other names: p.Gly807Val; short protein forms G807V.
Identifiers: ClinVar variation 654782 (VCV000654782.7), dbSNP rs200740666, ClinGen allele CA74481326.